The following is an entry in ClinVar:

NM_001903.5(CTNNA1):c.896A>G (p.Glu299Gly)

Gene: CTNNA1 (catenin alpha 1; plus strand). Cytogenetic location: 5q31.2.
Variant type: single nucleotide variant.
Coding change: c.896A>G on transcript NM_001903.5 (MANE Select); coding-DNA position 896, A replaced by G.
Protein change: p.Glu299Gly; replaces glutamic acid 299 with glycine.
Molecular consequence: missense variant.
Genome position (GRCh38, 1-based): chr5:138,827,552, A>G. VCF-style: chr5-138827552-A-G. GRCh37 (hg19) VCF-style: chr5-138163241-A-G.
Other names: c.896A>G, p.Glu299Gly (NM_001290307.3, NM_001323982.2, NM_001323983.1 and 3 more transcripts); c.587A>G, p.Glu196Gly (NM_001290309.3); c.527A>G, p.Glu176Gly (NM_001290310.3); short protein forms E176G, E196G, E299G.
Identifiers: ClinVar variation 1051105 (VCV001051105.12), dbSNP rs1760845926, ClinGen allele CA361130759.
Genomic context (GRCh38, chr5:138,827,552, plus strand): 5'-ATTCGGTAATACTTTCTCTGCAGAAACAAATCATTGTGGACCCCTTGAGCTTCAGCGAGG[A>G]GCGCTTTAGGCCTTCCCTGGAGGAGCGTCTGGAAAGCATCATTAGTGGGGCTGCCTTGAT-3'
Protein context (NP_001894.2, residues 289-309): IIVDPLSFSE[Glu299Gly]RFRPSLEERL

ClinVar aggregate classification (germline): Uncertain significance. Review status: criteria provided, multiple submitters, no conflicts (2 of 4 stars). 3 submissions from 3 submitters: Uncertain significance (3). Last evaluated 2024-03-12.

Conditions:
Hereditary cancer-predisposing syndrome. Also called: Tumor predisposition; Hereditary neoplastic syndrome; Hereditary Cancer Syndrome; Neoplastic Syndromes, Hereditary. Identifiers: Orphanet 140162, MedGen C0027672, MeSH D009386, MONDO:0015356.
Patterned macular dystrophy 2. Identifiers: Orphanet 99001, MedGen C1837029, MONDO:0012162, OMIM 608970.

Allele frequency attached by ClinVar (database versions not stated): gnomAD exomes below 0.00001; TOPMed 0.00001.
gnomAD v4.1: 3 of 1,614,220 alleles (0.00019%); highest among the groups gnomAD compares: Non-Finnish European, 0.00025%; no homozygotes.

Submissions (3):

Ambry Genetics
Classification: Uncertain significance for Hereditary cancer-predisposing syndrome. Last evaluated: 2024-03-12. Review status: criteria provided, single submitter. Criteria: Ambry Variant Classification Scheme 2023. Collection method: clinical testing. Allele origin: germline.
Comment: The p.E299G variant (also known as c.896A>G), located in coding exon 6 of the CTNNA1 gene, results from an A to G substitution at nucleotide position 896. The glutamic acid at codon 299 is replaced by glycine, an amino acid with similar properties. This amino acid position is well conserved in available vertebrate species. In addition, the in silico prediction for this alteration is inconclusive. Since supporting evidence is limited at this time, the clinical significance of this alteration remains unclear.

Baylor Genetics
Classification: Uncertain significance for Patterned macular dystrophy 2. Last evaluated: 2023-12-12. Review status: criteria provided, single submitter. Criteria: ACMG Guidelines, 2015. Collection method: clinical testing. Allele origin: unknown.

Labcorp Genetics (formerly Invitae), Labcorp
Classification: Uncertain significance. Last evaluated: 2023-09-10. Review status: criteria provided, single submitter. Criteria: Invitae Variant Classification Sherloc (09022015). Collection method: clinical testing. Allele origin: germline.
Comment: This sequence change replaces glutamic acid, which is acidic and polar, with glycine, which is neutral and non-polar, at codon 299 of the CTNNA1 protein (p.Glu299Gly). This variant is not present in population databases (gnomAD no frequency). This variant has not been reported in the literature in individuals affected with CTNNA1-related conditions. ClinVar contains an entry for this variant (Variation ID: 1051105). Advanced modeling of protein sequence and biophysical properties (such as structural, functional, and spatial information, amino acid conservation, physicochemical variation, residue mobility, and thermodynamic stability) performed at Invitae indicates that this missense variant is not expected to disrupt CTNNA1 protein function. In summary, the available evidence is currently insufficient to determine the role of this variant in disease. Therefore, it has been classified as a Variant of Uncertain Significance.